The following is an entry in ClinVar:

ClinVar aggregate classification (germline): Likely benign. Review status: criteria provided, multiple submitters, no conflicts (2 of 4 stars). 2 submissions from 2 submitters: Likely benign (2). Last evaluated 2025-08-04.

Conditions:
Inborn genetic diseases. Identifiers: MedGen C0950123, MeSH D030342.
MAPK8IP3-related disorder. Also called: MAPK8IP3-related condition.

gnomAD v4.1: 821 of 1,569,088 alleles (0.052%); highest among the groups gnomAD compares: Non-Finnish European, 0.064%; 2 homozygotes.

Submissions (2):

Ambry Genetics
Classification: Likely benign for Inborn genetic diseases. Last evaluated: 2025-08-04. Review status: criteria provided, single submitter. Criteria: Ambry Variant Classification Scheme 2023. Collection method: clinical testing. Allele origin: germline.

PreventionGenetics, part of Exact Sciences
Classification: Likely benign for MAPK8IP3-related condition. Last evaluated: 2025-07-01. Review status: criteria provided, single submitter. Criteria: ACMG Guidelines, 2015. Collection method: clinical testing. Allele origin: germline.
Comment: This variant is classified as likely benign based on ACMG/AMP sequence variant interpretation guidelines (Richards et al. 2015 PMID: 25741868, with internal and published modifications).

NM_001318852.2(MAPK8IP3):c.3818C>T (p.Ser1273Leu)

Gene: MAPK8IP3 (mitogen-activated protein kinase 8 interacting protein 3; plus strand). Cytogenetic location: 16p13.3.
Variant type: single nucleotide variant.
Coding change: c.3818C>T on transcript NM_001318852.2 (MANE Select); coding-DNA position 3818, C replaced by T.
Protein change: p.Ser1273Leu; replaces serine 1273 with leucine.
Molecular consequence: missense variant.
Genome position (GRCh38, 1-based): chr16:1,768,552, C>T. VCF-style: chr16-1768552-C-T. GRCh37 (hg19) VCF-style: chr16-1818553-C-T.
Other names: c.3818C>T (NM_001318852.1); c.3797C>T, p.Ser1266Leu (NM_001040439.2); c.3815C>T, p.Ser1272Leu (NM_015133.5); short protein forms S1273L, S1272L, S1266L.
Identifiers: ClinVar variation 4103843 (VCV004103843.2).